The following is an entry in ClinVar:

NM_001375524.1(TRRAP):c.11605T>C (p.Trp3869Arg)

Gene: TRRAP (transformation/transcription domain associated protein; plus strand). Cytogenetic location: 7q22.1.
Variant type: single nucleotide variant.
Coding change: c.11605T>C on transcript NM_001375524.1 (MANE Select); coding-DNA position 11605, T replaced by C.
Protein change: p.Trp3869Arg; replaces tryptophan 3869 with arginine.
Molecular consequence: missense variant.
Genome position (GRCh38, 1-based): chr7:99,012,338, T>C. VCF-style: chr7-99012338-T-C. GRCh37 (hg19) VCF-style: chr7-98609961-T-C.
Other names: c.11563T>C, p.Trp3855Arg (NM_001244580.2); c.11476T>C, p.Trp3826Arg (NM_003496.4); short protein forms W3826R, W3855R, W3869R.
Identifiers: ClinVar variation 4823011 (VCV004823011.4).
Genomic context (GRCh38, chr7:99,012,338, plus strand): 5'-GTGAACACCCTGGTGGCCGCGGCAAACAGCCTGGACAATCTGTGCCGCATGGACCCCGCC[T>C]GGCACCCCTGGCTGTGACTGTGGCCGCCACGGCCACCCGGAATGTGAAGGGCGCTCCGGG-3'
Protein context (NP_001362453.1, residues 3859-3873): LDNLCRMDPA[Trp3869Arg]HPWL

ClinVar aggregate classification (germline): Uncertain significance (1 of 4 stars; one submission).

Submission:

CeGaT Center for Human Genetics Tuebingen
Classification: Uncertain significance. Last evaluated: 2026-01-01. Review status: criteria provided, single submitter. Criteria: CeGaT Center For Human Genetics Tuebingen Variant Classification Criteria Version 2. Collection method: clinical testing. Allele origin: germline. Affected: yes. Observed: 1 variant allele.
Comment: TRRAP: PM2